The following is an entry in ClinVar:

ClinVar aggregate classification (germline): Uncertain significance (1 of 4 stars; one submission).

Conditions:
Left ventricular noncompaction 8 (LVNC8). Identifiers: Orphanet 154, Orphanet 54260, MedGen C3809288, MONDO:0014152, OMIM 615373.

Submission:

Labcorp Genetics (formerly Invitae), Labcorp
Classification: Uncertain significance for Left ventricular noncompaction 8. Last evaluated: 2021-12-01. Review status: criteria provided, single submitter. Criteria: Invitae Variant Classification Sherloc (09022015). Collection method: clinical testing. Allele origin: germline.
Comment: In summary, the available evidence is currently insufficient to determine the role of this variant in disease. Therefore, it has been classified as a Variant of Uncertain Significance. Algorithms developed to predict the effect of missense changes on protein structure and function output the following: SIFT: "Deleterious"; PolyPhen-2: "Benign"; Align-GVGD: "Class C0". The asparagine amino acid residue is found in multiple mammalian species, which suggests that this missense change does not adversely affect protein function. This variant has not been reported in the literature in individuals affected with PRDM16-related conditions. This variant is not present in population databases (gnomAD no frequency). This sequence change replaces aspartic acid, which is acidic and polar, with asparagine, which is neutral and polar, at codon 199 of the PRDM16 protein (p.Asp199Asn).

NM_022114.4(PRDM16):c.595G>A (p.Asp199Asn)

Gene: PRDM16 (PR/SET domain 16; plus strand). Cytogenetic location: 1p36.32.
Variant type: single nucleotide variant.
Coding change: c.595G>A on transcript NM_022114.4 (MANE Select); coding-DNA position 595, G replaced by A.
Protein change: p.Asp199Asn; replaces aspartic acid 199 with asparagine.
Molecular consequence: missense variant.
Genome position (GRCh38, 1-based): chr1:3,396,512, G>A. VCF-style: chr1-3396512-G-A. GRCh37 (hg19) VCF-style: chr1-3313076-G-A.
Other names: c.595G>A, p.Asp199Asn (NM_199454.3); short protein forms D199N.
Identifiers: ClinVar variation 2022747 (VCV002022747.4), dbSNP rs1471095321, ClinGen allele CA338001913.